The following is an entry in ClinVar:

ClinVar aggregate classification (germline): Uncertain significance. Review status: criteria provided, multiple submitters, no conflicts (2 of 4 stars). 2 submissions from 2 submitters: Uncertain significance (2). Last evaluated 2025-05-28.

Conditions:
Inborn genetic diseases. Identifiers: MedGen C0950123, MeSH D030342.

gnomAD v4.1: 3 of 1,612,702 alleles (0.00019%); highest among the groups gnomAD compares: African/African-American, 0.0027%; no homozygotes.

Submissions (2):

Ambry Genetics
Classification: Uncertain significance for Inborn genetic diseases. Last evaluated: 2025-05-28. Review status: criteria provided, single submitter. Criteria: Ambry Variant Classification Scheme 2023. Collection method: clinical testing. Allele origin: germline.

GeneDx
Classification: Uncertain significance. Last evaluated: 2021-01-06. Review status: criteria provided, single submitter. Criteria: GeneDx Variant Classification Process June 2021. Collection method: clinical testing. Allele origin: germline. Affected: yes.
Comment: Not observed in large population cohorts (Lek et al., 2016); In silico analysis supports that this missense variant has a deleterious effect on protein structure/function; Has not been previously published as pathogenic or benign to our knowledge

NM_001080453.3(INTS1):c.1443C>A (p.Phe481Leu)

Gene: INTS1 (integrator complex subunit 1; minus strand). Cytogenetic location: 7p22.3.
Variant type: single nucleotide variant.
Coding change: c.1443C>A on transcript NM_001080453.3 (MANE Select); coding-DNA position 1443, C replaced by A.
Protein change: p.Phe481Leu; replaces phenylalanine 481 with leucine.
Molecular consequence: missense variant.
Genome position (GRCh38, 1-based): chr7:1,497,297, G>T on the plus strand (C>A on the coding strand, the complement: INTS1 is on the minus strand). VCF-style: chr7-1497297-G-T. GRCh37 (hg19) VCF-style: chr7-1536933-G-T.
Other names: short protein forms F481L.
Identifiers: ClinVar variation 1313852 (VCV001313852.3), dbSNP rs758954867, ClinGen allele CA366594047.